The following is an entry in ClinVar:

ClinVar aggregate classification (germline): Likely pathogenic (1 of 4 stars; one submission).

Conditions:
Ehlers-Danlos syndrome, classic type, 1 (EDSCL1). Also called: EHLERS-DANLOS SYNDROME, GRAVIS TYPE; EHLERS-DANLOS SYNDROME, SEVERE CLASSIC TYPE; Ehlers-Danlos syndrome, type 1; Ehlers-Danlos Syndrome, Classic Type, COL5A1-Related; EDS I. Identifiers: MedGen C0268335, MONDO:0019567, OMIM 130000.

Submission:

Laboratory of Medical Genetics, National & Kapodistrian University of Athens
Classification: Likely pathogenic for Ehlers-Danlos syndrome, classic type, 1. Last evaluated: 2023-10-13. Review status: criteria provided, single submitter. Criteria: ACMG Guidelines, 2015. Collection method: clinical testing. Allele origin: germline. Affected: yes.
Comment: PVS1, PM2 - Low frequency in gnomAD population databases. Loss-of-function variants in COL5A1 are known to be pathogenic.

NM_000093.5(COL5A1):c.2899-1G>A

Gene: COL5A1 (collagen type V alpha 1 chain; plus strand). Cytogenetic location: 9q34.3.
Variant type: single nucleotide variant.
Coding change: c.2899-1G>A on transcript NM_000093.5 (MANE Select); the canonical splice acceptor site of the intron before coding-DNA position 2899, G replaced by A.
Molecular consequence: splice acceptor variant.
Genome position (GRCh38, 1-based): chr9:134,798,407, G>A. VCF-style: chr9-134798407-G-A. GRCh37 (hg19) VCF-style: chr9-137690253-G-A.
Other names: c.2899-1G>A (NM_001278074.1).
Identifiers: ClinVar variation 3256562 (VCV003256562.1).